The following is an entry in ClinVar:

NM_001308093.3(GATA4):c.70G>C (p.Gly24Arg)

Gene: GATA4 (GATA binding protein 4). Cytogenetic location: 8p23.1.
Variant type: single nucleotide variant.
Coding change: c.70G>C on transcript NM_001308093.3 (MANE Select); coding-DNA position 70, G replaced by C.
Protein change: p.Gly24Arg; replaces glycine 24 with arginine.
Molecular consequence: missense variant. On other transcripts: intron variant (3).
Genome position (GRCh38, 1-based): chr8:11,708,382, G>C. VCF-style: chr8-11708382-G-C. GRCh37 (hg19) VCF-style: chr8-11565891-G-C.
Other names: c.70G>C, p.Gly24Arg (NM_002052.5); c.-6+7604G>C (NM_001308094.2); c.-3+368G>C (NM_001374274.1); c.-3+4078G>C (NM_001374273.1); short protein forms G24R.
Identifiers: ClinVar variation 4857885 (VCV004857885.1).

ClinVar aggregate classification (germline): Uncertain significance (1 of 4 stars; one submission).

Conditions:
Cardiovascular phenotype. Identifiers: MedGen CN230736.

gnomAD v4.1: 1 of 1,554,058 alleles (0.000064%); highest among the groups gnomAD compares: Non-Finnish European, 0.000086%; no homozygotes.

Submission:

Ambry Genetics
Classification: Uncertain significance for Cardiovascular phenotype. Last evaluated: 2026-04-23. Review status: criteria provided, single submitter. Criteria: Ambry Variant Classification Scheme 2023. Collection method: clinical testing. Allele origin: germline.
Comment: The p.G24R variant (also known as c.70G>C), located in coding exon 1 of the GATA4 gene, results from a G to C substitution at nucleotide position 70. The glycine at codon 24 is replaced by arginine, an amino acid with dissimilar properties. This amino acid position is conserved. In addition, the in silico prediction for this alteration is inconclusive. Based on the available evidence, the clinical significance of this variant remains unclear.